The following is an entry in ClinVar:

ClinVar aggregate classification (germline): Likely pathogenic (1 of 4 stars; one submission).

Submission:

GeneDx
Classification: Likely pathogenic. Last evaluated: 2017-03-13. Review status: criteria provided, single submitter. Criteria: GeneDx Variant Classification (06012015). Collection method: clinical testing. Allele origin: germline. Affected: yes.
Comment: Although the c.101dupA likely pathogenic variant in the DSC2 gene has not been reported to our knowledge, this variant causes a shift in reading frame starting at codon asparagine 34, changing it to a lysine, and creating a premature stop codon at position 18 of the new reading frame, denoted p.N34KfsX18. This likely pathogenic variant is expected to result in either an abnormal, truncated protein product or loss of protein from this allele through nonsense-mediated mRNA decay. Many other frameshift variants in the DSC2 gene have been reported in Human Gene Mutation Database in association with ARVC (Stenson et al., 2014), indicating that loss of function is a mechanism of disease for this gene. Furthermore, c.101dupA has not been observed in large population cohorts (Lek et al., 2016; 1000 Genomes Consortium et al., 2015; Exome Variant Server). In summary, c.101dupA in the DSC2 gene is interpreted as a likely pathogenic variant.

NM_024422.6(DSC2):c.101dup (p.Asn34fs)

Gene: DSC2 (desmocollin 2; minus strand). Cytogenetic location: 18q12.1.
Variant type: Duplication.
Coding change: c.101dup on transcript NM_024422.6 (MANE Select); coding-DNA position 101, one base duplicated (A; older notation c.101dupA).
Protein change: p.Asn34fs; shifts the reading frame from asparagine 34.
Molecular consequence: frameshift variant.
Genome position (GRCh38, 1-based): chr18:31,093,612, T duplicated on the plus strand (A on the coding strand, the reverse complement: DSC2 is on the minus strand); the first of 5 consecutive T bases (chr18:31,093,612-31,093,616); duplicating any one gives the same sequence. VCF-style (leftmost placement, unchanged base first): chr18-31093611-A-AT. GRCh37 (hg19) VCF-style: chr18-28673574-A-AT.
Other names: c.101dup, p.Asn34fs (NM_004949.5); short protein forms N34fs.
Identifiers: ClinVar variation 424228 (VCV000424228.2), dbSNP rs1555640396, ClinGen allele CA16620675.